The following is an entry in ClinVar:

NM_007194.4(CHEK2):c.1022del (p.Asn341fs)

Gene: CHEK2 (checkpoint kinase 2; minus strand). Cytogenetic location: 22q12.1.
Variant type: Deletion.
Coding change: c.1022del on transcript NM_007194.4 (MANE Select); coding-DNA position 1022, one base deleted (A; older notation c.1022delA).
Protein change: p.Asn341fs; shifts the reading frame from asparagine 341.
Molecular consequence: frameshift variant. On other transcripts: intron variant (3).
Genome position (GRCh38, 1-based): chr22:28,696,974, T deleted on the plus strand (A on the coding strand, the reverse complement: CHEK2 is on the minus strand); the first of 4 consecutive T bases (chr22:28,696,974-28,696,977); deleting any one gives the same sequence. VCF-style (leftmost placement, unchanged base first): chr22-28696973-GT-G. GRCh37 (hg19) VCF-style: chr22-29092961-GT-G.
Other names: c.1151del, p.Asn384fs (NM_001005735.3); c.359del, p.Asn120fs (NM_001257387.3, NM_001437942.1); c.821del, p.Asn274fs (NM_001349956.3); c.1115del, p.Asn372fs (NM_001438293.1); c.1009-1101del (NM_145862.3); c.1102-1101del (NM_001438295.1); c.1138-1101del (NM_001438294.1); short protein forms N274fs, N384fs, N120fs, N341fs, N372fs.
Identifiers: ClinVar variation 582507 (VCV000582507.8), dbSNP rs1569116316, ClinGen allele CA891844290.
Genomic context (GRCh38, chr22:28,696,973, plus strand): 5'-GTCCTCTTCTTGAGATGACAGTAAAACATTCTCTGGCTTTAAGTCACGGTGTATAATACC[GT>G]TTTCATGAAGGTACTACACAGAAAGGCAGGCATGACCCTCAGATTCATGCAGTAGATACT-3'

ClinVar aggregate classification (germline): Pathogenic. Review status: criteria provided, multiple submitters, no conflicts (2 of 4 stars). 2 submissions from 2 submitters: Pathogenic (2). Last evaluated 2025-03-14.

Conditions:
Hereditary cancer-predisposing syndrome. Also called: Neoplastic Syndromes, Hereditary; Hereditary Cancer Syndrome; Tumor predisposition; Hereditary neoplastic syndrome. Identifiers: Orphanet 140162, MedGen C0027672, MeSH D009386, MONDO:0015356.
Familial cancer of breast. Also called: Hereditary breast cancer; hereditary breast carcinoma; BREAST CANCER, FAMILIAL. Identifiers: Orphanet 227535, MedGen C0346153, MONDO:0016419, OMIM 114480. Disease mechanism: loss of function.

Submissions (2):

Ambry Genetics
Classification: Pathogenic for Hereditary cancer-predisposing syndrome. Last evaluated: 2025-03-14. Review status: criteria provided, single submitter. Criteria: Ambry Variant Classification Scheme 2023. Collection method: clinical testing. Allele origin: germline.
Comment: The c.1022delA pathogenic mutation, located in coding exon 9 of the CHEK2 gene, results from a deletion of one nucleotide at nucleotide position 1022, causing a translational frameshift with a predicted alternate stop codon (p.N341Tfs*8). This variant is considered to be rare based on population cohorts in the Genome Aggregation Database (gnomAD). This alteration is expected to result in loss of function by premature protein truncation or nonsense-mediated mRNA decay. As such, this alteration is interpreted as a disease-causing mutation.

Labcorp Genetics (formerly Invitae), Labcorp
Classification: Pathogenic for Familial cancer of breast. Last evaluated: 2018-02-28. Review status: criteria provided, single submitter. Criteria: Invitae Variant Classification Sherloc (09022015). Collection method: clinical testing. Allele origin: germline.
Comment: For these reasons, this variant has been classified as Pathogenic. Loss-of-function variants in CHEK2 are known to be pathogenic (PMID: 21876083, 24713400). This variant has not been reported in the literature in individuals with CHEK2-related disease. This variant is not present in population databases (ExAC no frequency). This sequence change creates a premature translational stop signal (p.Asn341Thrfs*8) in the CHEK2 gene. It is expected to result in an absent or disrupted protein product.

Literature cited by the submitters: PubMed 21876083 (cited by Labcorp Genetics (formerly Invitae), Labcorp); PubMed 24713400 (cited by Labcorp Genetics (formerly Invitae), Labcorp).